The following is an entry in ClinVar:

NM_001142864.4(PIEZO1):c.765C>T (p.Phe255=)

Genes: PIEZO1 (piezo type mechanosensitive ion channel component 1 (Er blood group); minus strand), HSALR1 (HSP90AB1 associated lncRNA 1; plus strand). Cytogenetic location: 16q24.3.
Variant type: single nucleotide variant.
Coding change: c.765C>T on transcript NM_001142864.4 (MANE Select); coding-DNA position 765, C replaced by T.
Protein change: p.Phe255=; no amino-acid change (phenylalanine 255 retained).
Molecular consequence: synonymous variant. On other transcripts: non-coding transcript variant (1).
Genome position (GRCh38, 1-based): chr16:88,738,310, G>A on the plus strand (C>T on the coding strand, the complement: PIEZO1 is on the minus strand). VCF-style: chr16-88738310-G-A. GRCh37 (hg19) VCF-style: chr16-88804718-G-A.
Other names: p.Phe255=.
Identifiers: ClinVar variation 993957 (VCV000993957.13), dbSNP rs767600698, ClinGen allele CA8233196.
Genomic context (GRCh38, chr16:88,738,310, plus strand): 5'-GAGCAGAGCCTGTGCCAAGGGCATCTGGTAGCAGTAGAGGCAGATGAGATGGCCGGCGCC[G>A]AAGCACCCCACCGCGACGCAGAGTCTGCTGAAGCCCCGAGTGCTGATGGGAAAGTGGCAG-3'
Protein context (NP_001136336.2, residues 245-265): FSRLCVAVGC[Phe255=]GAGHLICLYC

ClinVar aggregate classification (germline): Benign/Likely benign. Review status: criteria provided, multiple submitters, no conflicts (2 of 4 stars). 4 submissions from 4 submitters: Benign (1); Likely benign (3). Last evaluated 2026-04-27.

Allele frequency attached by ClinVar (database versions not stated): gnomAD 0.00004; TOPMed 0.00004; ExAC 0.00012.
gnomAD v4.1: 85 of 1,535,762 alleles (0.0055%); highest among the groups gnomAD compares: South Asian, 0.048%; 1 homozygote.

Submissions (4):

Women's Health and Genetics/Laboratory Corporation of America, LabCorp
Classification: Likely benign. Last evaluated: 2026-04-27. Review status: criteria provided, single submitter. Criteria: LabCorp Variant Classification Summary - May 2015. Collection method: clinical testing. Allele origin: germline.

Mayo Clinic Laboratories, Mayo Clinic
Classification: Likely benign. Last evaluated: 2025-06-24. Review status: criteria provided, single submitter. Criteria: ACMG Guidelines, 2015. Collection method: clinical testing. Allele origin: germline. Observed: 2 variant alleles.
Comment: BP4, BP7

Labcorp Genetics (formerly Invitae), Labcorp
Classification: Likely benign. Last evaluated: 2023-06-15. Review status: criteria provided, single submitter. Criteria: Invitae Variant Classification Sherloc (09022015). Collection method: clinical testing. Allele origin: germline.

ARUP Laboratories, Molecular Genetics and Genomics, ARUP Laboratories
Classification: Benign. Last evaluated: 2019-12-23. Review status: criteria provided, single submitter. Criteria: ARUP Molecular Germline Variant Investigation Process. Collection method: clinical testing. Allele origin: germline.